The following is an entry in ClinVar:

ClinVar aggregate classification (germline): Uncertain significance (1 of 4 stars; one submission).

Conditions:
Episodic kinesigenic dyskinesia (EKD). Also called: Paroxysmal kinesigenic dyskinesia. Identifiers: Orphanet 98809, MedGen C1868682, MONDO:0044202.

Allele frequency attached by ClinVar (database versions not stated): gnomAD exomes below 0.00001.
gnomAD v4.1: 1 of 1,613,940 alleles (0.000062%); highest among the groups gnomAD compares: Admixed American, 0.0017%; no homozygotes.

Submission:

Labcorp Genetics (formerly Invitae), Labcorp
Classification: Uncertain significance for Episodic kinesigenic dyskinesia. Last evaluated: 2022-07-29. Review status: criteria provided, single submitter. Criteria: Invitae Variant Classification Sherloc (09022015). Collection method: clinical testing. Allele origin: germline.
Comment: Algorithms developed to predict the effect of missense changes on protein structure and function output the following: SIFT: "Tolerated"; PolyPhen-2: "Benign"; Align-GVGD: "Class C0". The serine amino acid residue is found in multiple mammalian species, which suggests that this missense change does not adversely affect protein function. In summary, the available evidence is currently insufficient to determine the role of this variant in disease. Therefore, it has been classified as a Variant of Uncertain Significance. This variant has not been reported in the literature in individuals affected with PRRT2-related conditions. This variant is not present in population databases (gnomAD no frequency). This sequence change replaces threonine, which is neutral and polar, with serine, which is neutral and polar, at codon 54 of the PRRT2 protein (p.Thr54Ser).

NM_145239.3(PRRT2):c.161C>G (p.Thr54Ser)

Genes: MVP-DT (MVP divergent transcript; minus strand), PRRT2 (proline rich transmembrane protein 2; plus strand). Cytogenetic location: 16p11.2.
Variant type: single nucleotide variant.
Coding change: c.161C>G on transcript NM_145239.3 (MANE Select); coding-DNA position 161, C replaced by G.
Protein change: p.Thr54Ser; replaces threonine 54 with serine.
Molecular consequence: missense variant.
Genome position (GRCh38, 1-based): chr16:29,813,215, C>G. VCF-style: chr16-29813215-C-G. GRCh37 (hg19) VCF-style: chr16-29824536-C-G.
Other names: c.161C>G, p.Thr54Ser (NM_001256442.2, NM_001256443.2); short protein forms T54S.
Identifiers: ClinVar variation 1713442 (VCV001713442.6), dbSNP rs2543331554, ClinGen allele CA395477526.